The following is an entry in ClinVar:

NM_001374736.1(DST):c.3310A>G (p.Lys1104Glu)

Gene: DST (dystonin; minus strand). Cytogenetic location: 6p12.1.
Variant type: single nucleotide variant.
Coding change: c.3310A>G on transcript NM_001374736.1 (MANE Select); coding-DNA position 3310, A replaced by G.
Protein change: p.Lys1104Glu; replaces lysine 1104 with glutamic acid.
Molecular consequence: missense variant.
Genome position (GRCh38, 1-based): chr6:56,634,830, T>C on the plus strand (A>G on the coding strand, the complement: DST is on the minus strand). VCF-style: chr6-56634830-T-C. GRCh37 (hg19) VCF-style: chr6-56499628-T-C.
Other names: c.3211A>G, p.Lys1071Glu (NM_001144769.5); c.2797A>G, p.Lys933Glu (NM_001144770.2); c.3310A>G, p.Lys1104Glu (NM_001374722.1); c.2677A>G, p.Lys893Glu (NM_001374729.1, NM_001374730.1, NM_001386100.1 and 1 more transcripts); c.3337A>G, p.Lys1113Glu (NM_001374734.1); c.1699A>G, p.Lys567Glu (NM_001723.7, NM_015548.5); short protein forms K1071E, K1104E, K1113E, K567E, K893E, K933E.
Identifiers: ClinVar variation 3750730 (VCV003750730.2).

ClinVar aggregate classification (germline): Uncertain significance (1 of 4 stars; one submission).

Conditions:
Hereditary sensory and autonomic neuropathy type 6. Also called: HSAN VI; Neuropathy, hereditary sensory and autonomic, type VI. Identifiers: Orphanet 314381, MedGen C3539003, MONDO:0013839, OMIM 614653.
Epidermolysis bullosa simplex 3, localized or generalized intermediate, with BP230 deficiency (EBS3). Also called: Epidermolysis bullosa simplex, autosomal recessive 2; Epidermolysis bullosa simplex due to BP230 deficiency. Identifiers: Orphanet 412181, MedGen C3809470, MONDO:0014180, OMIM 615425.

Submission:

Labcorp Genetics (formerly Invitae), Labcorp
Classification: Uncertain significance for Epidermolysis bullosa simplex 3, localized or generalized intermediate, with BP230 deficiency; Hereditary sensory and autonomic neuropathy type 6. Last evaluated: 2024-07-31. Review status: criteria provided, single submitter. Criteria: Invitae Variant Classification Sherloc (09022015). Collection method: clinical testing. Allele origin: germline.
Comment: This sequence change replaces lysine, which is basic and polar, with glutamic acid, which is acidic and polar, at codon 567 of the DST protein (p.Lys567Glu). This variant is not present in population databases (gnomAD no frequency). This variant has not been reported in the literature in individuals affected with DST-related conditions. An algorithm developed to predict the effect of missense changes on protein structure and function (PolyPhen-2) suggests that this variant is likely to be tolerated. In summary, the available evidence is currently insufficient to determine the role of this variant in disease. Therefore, it has been classified as a Variant of Uncertain Significance.